The following is an entry in ClinVar:

ClinVar aggregate classification (germline): Likely benign (1 of 4 stars; one submission).

Allele frequency attached by ClinVar (database versions not stated): gnomAD exomes below 0.00001 and 0.00001; ExAC 0.00002; gnomAD 0.00002; TOPMed 0.00005; ESP Exome Variant Server 0.00008.
gnomAD v4.1: 5 of 1,612,900 alleles (0.00031%); highest among the groups gnomAD compares: African/African-American, 0.0053%; no homozygotes.

Submission:

GeneDx
Classification: Likely benign. Last evaluated: 2016-03-28. Review status: criteria provided, single submitter. Criteria: GeneDx Variant Classification (06012015). Collection method: clinical testing. Allele origin: germline. Affected: yes.
Comment: This variant is considered likely benign or benign based on one or more of the following criteria: it is a conservative change, it occurs at a poorly conserved position in the protein, it is predicted to be benign by multiple in silico algorithms, and/or has population frequency not consistent with disease.

NM_018341.3(ERMARD):c.1234-16G>C

Gene: ERMARD (ER membrane associated RNA degradation; plus strand). Cytogenetic location: 6q27.
Variant type: single nucleotide variant.
Coding change: c.1234-16G>C on transcript NM_018341.3 (MANE Select); 16 bases into the intron before coding-DNA position 1234, G replaced by C.
Molecular consequence: intron variant.
Genome position (GRCh38, 1-based): chr6:169,773,303, G>C. VCF-style: chr6-169773303-G-C. GRCh37 (hg19) VCF-style: chr6-170173399-G-C.
Other names: c.1234-16G>C (NM_001278531.2, NM_001278533.2); c.856-16G>C (NM_001278532.2).
Identifiers: ClinVar variation 384838 (VCV000384838.1), dbSNP rs371987913, ClinGen allele CA4106166.